The following is an entry in ClinVar:

ClinVar aggregate classification (germline): Uncertain significance (1 of 4 stars; one submission).

Allele frequency attached by ClinVar (database versions not stated): TOPMed 0.00004; gnomAD 0.00005.
gnomAD v4.1: 38 of 1,613,818 alleles (0.0024%); highest among the groups gnomAD compares: African/African-American, 0.02%; no homozygotes.

Submission:

Labcorp Genetics (formerly Invitae), Labcorp
Classification: Uncertain significance. Last evaluated: 2026-01-05. Review status: criteria provided, single submitter. Criteria: Invitae Variant Classification Sherloc (09022015). Collection method: clinical testing. Allele origin: germline.
Comment: This sequence change replaces arginine, which is basic and polar, with tryptophan, which is neutral and slightly polar, at codon 1607 of the NALCN protein (p.Arg1607Trp). This variant is present in population databases (no rsID available, gnomAD 0.003%). This variant has not been reported in the literature in individuals affected with NALCN-related conditions. ClinVar contains an entry for this variant (Variation ID: 2883320). Invitae Evidence Modeling of protein sequence and biophysical properties (such as structural, functional, and spatial information, amino acid conservation, physicochemical variation, residue mobility, and thermodynamic stability) indicates that this missense variant is not expected to disrupt NALCN protein function with a negative predictive value of 80%. In summary, the available evidence is currently insufficient to determine the role of this variant in disease. Therefore, it has been classified as a Variant of Uncertain Significance.

NM_052867.4(NALCN):c.4819C>T (p.Arg1607Trp)

Gene: NALCN (sodium leak channel, non-selective; minus strand). Cytogenetic location: 13q32.3.
Variant type: single nucleotide variant.
Coding change: c.4819C>T on transcript NM_052867.4 (MANE Select); coding-DNA position 4819, C replaced by T.
Protein change: p.Arg1607Trp; replaces arginine 1607 with tryptophan.
Molecular consequence: missense variant.
Genome position (GRCh38, 1-based): chr13:101,059,904, G>A on the plus strand (C>T on the coding strand, the complement: NALCN is on the minus strand). VCF-style: chr13-101059904-G-A. GRCh37 (hg19) VCF-style: chr13-101712256-G-A.
Other names: c.4906C>T, p.Arg1636Trp (NM_001350748.2); c.4819C>T, p.Arg1607Trp (NM_001350749.2); c.4732C>T, p.Arg1578Trp (NM_001350750.2, NM_001350751.2); short protein forms R1578W, R1607W, R1636W.
Identifiers: ClinVar variation 2883320 (VCV002883320.3), dbSNP rs866709006, ClinGen allele CA255393008.